The following is an entry in ClinVar:

NM_000551.4(VHL):c.104C>A (p.Ala35Asp)

Gene: VHL (von Hippel-Lindau tumor suppressor; plus strand). Cytogenetic location: 3p25.3.
Variant type: single nucleotide variant.
Coding change: c.104C>A on transcript NM_000551.4 (MANE Select); coding-DNA position 104, C replaced by A.
Protein change: p.Ala35Asp; replaces alanine 35 with aspartic acid.
Molecular consequence: missense variant.
Genome position (GRCh38, 1-based): chr3:10,141,951, C>A. VCF-style: chr3-10141951-C-A. GRCh37 (hg19) VCF-style: chr3-10183635-C-A.
Other names: c.104C>A, p.Ala35Asp (NM_001354723.2, NM_198156.3); short protein forms A35D.
Identifiers: ClinVar variation 132707 (VCV000132707.21), dbSNP rs587780536, ClinGen allele CA020039.
Genomic context (GRCh38, chr3:10,141,951, plus strand): 5'-CGGAGGAGGCAGGCGTCGAAGAGTACGGCCCTGAAGAAGACGGCGGGGAGGAGTCGGGCG[C>A]CGAGGAGTCCGGCCCGGAAGAGTCCGGCCCGGAGGAACTGGGCGCCGAGGAGGAGATGGA-3'
Protein context (NP_000542.1, residues 25-45): PEEDGGEESG[Ala35Asp]EESGPEESGP

ClinVar aggregate classification (germline): Uncertain significance. Review status: criteria provided, multiple submitters, no conflicts (2 of 4 stars). 8 submissions from 8 submitters: Uncertain significance (7). 1 of the submissions does not count toward it. Last evaluated 2026-01-26.

Conditions:
Hereditary cancer-predisposing syndrome. Also called: Tumor predisposition; Hereditary neoplastic syndrome; Neoplastic Syndromes, Hereditary; Hereditary Cancer Syndrome. Identifiers: Orphanet 140162, MedGen C0027672, MeSH D009386, MONDO:0015356.
Chuvash polycythemia. Also called: POLYCYTHEMIA, VHL-DEPENDENT. Identifiers: Orphanet 238557, MedGen C1837915, MONDO:0009892, OMIM 263400.
Von Hippel-Lindau syndrome (VHLS). Also called: Von Hippel-Lindau; von Hippel–Lindau syndrome; VHL syndrome. Identifiers: Orphanet 892, MedGen C0019562, MONDO:0008667, OMIM 193300. Disease mechanism: loss of function.

gnomAD v4.1: 6 of 1,544,436 alleles (0.00039%); highest among the groups gnomAD compares: Non-Finnish European, 0.00052%; no homozygotes.

Submissions (8):

Labcorp Genetics (formerly Invitae), Labcorp
Classification: Uncertain significance for Von Hippel-Lindau syndrome; Chuvash polycythemia. Last evaluated: 2026-01-26. Review status: criteria provided, single submitter. Criteria: Invitae Variant Classification Sherloc (09022015). Collection method: clinical testing. Allele origin: germline.
Comment: This sequence change replaces alanine, which is neutral and non-polar, with aspartic acid, which is acidic and polar, at codon 35 of the VHL protein (p.Ala35Asp). This variant is not present in population databases (gnomAD no frequency). This variant has not been reported in the literature in individuals affected with VHL-related conditions. ClinVar contains an entry for this variant (Variation ID: 132707). Invitae Evidence Modeling of protein sequence and biophysical properties (such as structural, functional, and spatial information, amino acid conservation, physicochemical variation, residue mobility, and thermodynamic stability) has been performed for this missense variant. However, the output from this modeling did not meet the statistical confidence thresholds required to predict the impact of this variant on VHL protein function. In summary, the available evidence is currently insufficient to determine the role of this variant in disease. Therefore, it has been classified as a Variant of Uncertain Significance.

All of Us Research Program, National Institutes of Health
Classification: Uncertain significance for Von Hippel-Lindau syndrome. Last evaluated: 2024-05-14. Review status: criteria provided, single submitter. Criteria: ACMG Guidelines, 2015. Collection method: clinical testing. Allele origin: germline. Inheritance: Autosomal dominant inheritance. Observed: 1 variant allele, 1 heterozygote.
Comment: This missense variant replaces alanine with aspartic acid at codon 35 of the VHL protein. Computational prediction suggests that this variant may not impact protein structure and function. To our knowledge, functional studies have not been reported for this variant. This variant has not been reported in individuals affected with VHL-related disorders in the literature. This variant has not been identified in the general population by the Genome Aggregation Database (gnomAD). The available evidence is insufficient to determine the role of this variant in disease conclusively. Therefore, this variant is classified as a Variant of Uncertain Significance.

This study involves interpretation of variants in research participants for the purpose of population health screening. Participant phenotype was not available at the time of variant classification. Additional details can be found in publication PMID: 35346344, PMCID: PMC8962531

Color Diagnostics, LLC DBA Color Health
Classification: Uncertain significance for Von Hippel-Lindau syndrome. Last evaluated: 2024-04-24. Review status: criteria provided, single submitter. Criteria: ACMG Guidelines, 2015. Collection method: clinical testing. Allele origin: germline.
Comment: This missense variant replaces alanine with aspartic acid at codon 35 of the VHL protein. Computational prediction suggests that this variant may not impact protein structure and function. To our knowledge, functional studies have not been reported for this variant. This variant has not been reported in individuals affected with VHL-related disorders in the literature. This variant has not been identified in the general population by the Genome Aggregation Database (gnomAD). The available evidence is insufficient to determine the role of this variant in disease conclusively. Therefore, this variant is classified as a Variant of Uncertain Significance.

Ambry Genetics
Classification: Uncertain significance for Hereditary cancer-predisposing syndrome. Last evaluated: 2023-12-28. Review status: criteria provided, single submitter. Criteria: Ambry Variant Classification Scheme 2023. Collection method: clinical testing. Allele origin: germline.
Comment: The p.A35D variant (also known as c.104C>A), located in coding exon 1 of the VHL gene, results from a C to A substitution at nucleotide position 104. The alanine at codon 35 is replaced by aspartic acid, an amino acid with dissimilar properties. This amino acid position is not well conserved in available vertebrate species. In addition, this alteration is predicted to be tolerated by in silico analysis. Since supporting evidence is limited at this time, the clinical significance of this alteration remains unclear.

Baylor Genetics
Classification: Uncertain significance for Chuvash polycythemia. Last evaluated: 2023-05-15. Review status: criteria provided, single submitter. Criteria: ACMG Guidelines, 2015. Collection method: clinical testing. Allele origin: unknown.

Sema4
Classification: Uncertain significance for Hereditary cancer-predisposing syndrome. Last evaluated: 2021-10-15. Review status: criteria provided, single submitter. Criteria: Sema4 Curation Guidelines. Collection method: curation. Allele origin: germline.
Comment: The VHL c.104C>A (p.A35D) variant has not been reported in the literature to our knowledge. This variant is not reported in the population database Genome Aggregation Database (PMID: 32461654). The variant has been reported in ClinVar (Variation ID 132707). Functional studies have not been performed, and in silico predictions of the variant's effect on protein function are inconclusive. The evidence is insufficient to meet ACMG/AMP criteria for classifying the variant as benign or pathogenic. Thus, the clinical significance of this variant is currently uncertain.

GeneDx
Classification: Uncertain significance. Last evaluated: 2019-09-25. Review status: criteria provided, single submitter. Criteria: GeneDx Variant Classification Process June 2021. Collection method: clinical testing. Allele origin: germline. Affected: yes.
Comment: Not observed in large population cohorts (Lek 2016); In silico analysis, which includes protein predictors and evolutionary conservation, supports that this variant does not alter protein structure/function; Has not been previously published as pathogenic or benign to our knowledge

Counsyl
Classification: Uncertain significance for Von Hippel-Lindau syndrome. Last evaluated: 2018-06-06. Review status: no assertion criteria provided. Collection method: clinical testing. Allele origin: unknown. Not counted in ClinVar's aggregate classification.